The following is an entry in ClinVar:

NM_000081.4(LYST):c.1535A>G (p.His512Arg)

Gene: LYST (lysosomal trafficking regulator; minus strand). Cytogenetic location: 1q42.3.
Variant type: single nucleotide variant.
Coding change: c.1535A>G on transcript NM_000081.4 (MANE Select); coding-DNA position 1535, A replaced by G.
Protein change: p.His512Arg; replaces histidine 512 with arginine.
Molecular consequence: missense variant.
Genome position (GRCh38, 1-based): chr1:235,809,283, T>C on the plus strand (A>G on the coding strand, the complement: LYST is on the minus strand). VCF-style: chr1-235809283-T-C. GRCh37 (hg19) VCF-style: chr1-235972583-T-C.
Other names: c.1535A>G, p.His512Arg (NM_001301365.1); short protein forms H512R.
Identifiers: ClinVar variation 933563 (VCV000933563.12), dbSNP rs759547330, ClinGen allele CA1467455.

ClinVar aggregate classification (germline): Uncertain significance. Review status: criteria provided, multiple submitters, no conflicts (2 of 4 stars). 2 submissions from 2 submitters: Uncertain significance (2). Last evaluated 2025-05-18.

Conditions:
Chédiak-Higashi syndrome (CHS). Also called: Chediak-Higashi Syndrome. Identifiers: Orphanet 167, MedGen C0007965, MONDO:0008963, OMIM 214500.

Allele frequency attached by ClinVar (database versions not stated): gnomAD exomes below 0.00001; ExAC 0.00001; TOPMed 0.00001.
gnomAD v4.1: 7 of 1,614,100 alleles (0.00043%); highest among the groups gnomAD compares: Non-Finnish European, 0.00059%; no homozygotes.

Submissions (2):

Labcorp Genetics (formerly Invitae), Labcorp
Classification: Uncertain significance for Chédiak-Higashi syndrome. Last evaluated: 2025-05-18. Review status: criteria provided, single submitter. Criteria: Invitae Variant Classification Sherloc (09022015). Collection method: clinical testing. Allele origin: germline.
Comment: This sequence change replaces histidine, which is basic and polar, with arginine, which is basic and polar, at codon 512 of the LYST protein (p.His512Arg). This variant is present in population databases (rs759547330, gnomAD 0.0009%). This variant has not been reported in the literature in individuals affected with LYST-related conditions. ClinVar contains an entry for this variant (Variation ID: 933563). Invitae Evidence Modeling of protein sequence and biophysical properties (such as structural, functional, and spatial information, amino acid conservation, physicochemical variation, residue mobility, and thermodynamic stability) indicates that this missense variant is expected to disrupt LYST protein function with a positive predictive value of 80%. In summary, the available evidence is currently insufficient to determine the role of this variant in disease. Therefore, it has been classified as a Variant of Uncertain Significance.

Mayo Clinic Laboratories, Mayo Clinic
Classification: Uncertain significance. Last evaluated: 2020-04-23. Review status: criteria provided, single submitter. Criteria: ACMG Guidelines, 2015. Collection method: clinical testing. Allele origin: germline. Observed: 1 variant allele.